The following is an entry in ClinVar:

NM_001370259.2(MEN1):c.317A>G (p.Tyr106Cys)

Gene: MEN1 (menin 1; minus strand). Cytogenetic location: 11q13.1.
Variant type: single nucleotide variant.
Coding change: c.317A>G on transcript NM_001370259.2 (MANE Select); coding-DNA position 317, A replaced by G.
Protein change: p.Tyr106Cys; replaces tyrosine 106 with cysteine.
Molecular consequence: missense variant.
Genome position (GRCh38, 1-based): chr11:64,809,793, T>C on the plus strand (A>G on the coding strand, the complement: MEN1 is on the minus strand). VCF-style: chr11-64809793-T-C. GRCh37 (hg19) VCF-style: chr11-64577265-T-C.
Other names: c.317A>G, p.Tyr106Cys (NM_000244.4, NM_001370251.2, NM_001370260.2 and 9 more transcripts); short protein forms Y106C.
Identifiers: ClinVar variation 485717 (VCV000485717.17), dbSNP rs1555166469, ClinGen allele CA381187419.

ClinVar aggregate classification (germline): Conflicting classifications of pathogenicity. Review status: criteria provided, conflicting classifications (1 of 4 stars). 3 submissions from 3 submitters: Uncertain significance (2); Likely benign (1). Last evaluated 2026-08-28.

Conditions:
Multiple endocrine neoplasia, type 1 (MEN1). Also called: MEA I; MEN I; WERMER SYNDROME; Endocrine adenomatosis multiple; MEN 1. Identifiers: Orphanet 652, MedGen C0025267, MeSH D018761, MONDO:0007540, OMIM 131100.
Hereditary cancer-predisposing syndrome. Also called: Neoplastic Syndromes, Hereditary; Hereditary neoplastic syndrome; Hereditary Cancer Syndrome; Tumor predisposition. Identifiers: Orphanet 140162, MedGen C0027672, MeSH D009386, MONDO:0015356.

Submissions (3):

Ambry Genetics
Classification: Uncertain significance for Hereditary cancer-predisposing syndrome. Last evaluated: 2026-08-28. Review status: criteria provided, single submitter. Criteria: Ambry Variant Classification Scheme 2023. Collection method: clinical testing. Allele origin: germline.
Comment: The p.Y106C variant (also known as c.317A>G), located in coding exon 1 of the MEN1 gene, results from an A to G substitution at nucleotide position 317. The tyrosine at codon 106 is replaced by cysteine, an amino acid with highly dissimilar properties. This amino acid position is highly conserved in available vertebrate species. In addition, this alteration is predicted to be deleterious by in silico analysis. Since supporting evidence is limited at this time, the clinical significance of this alteration remains unclear.

Labcorp Genetics (formerly Invitae), Labcorp
Classification: Likely benign for Multiple endocrine neoplasia, type 1. Last evaluated: 2025-05-05. Review status: criteria provided, single submitter. Criteria: Invitae Variant Classification Sherloc (09022015). Collection method: clinical testing. Allele origin: germline.

Blueprint Genetics
Classification: Uncertain significance. Last evaluated: 2023-06-16. Review status: criteria provided, single submitter. Criteria: ACMG Guidelines, 2015. Collection method: clinical testing. Allele origin: germline.